The following is an entry in ClinVar:

ClinVar aggregate classification (germline): Uncertain significance. Review status: criteria provided, multiple submitters, no conflicts (2 of 4 stars). 2 submissions from 2 submitters: Uncertain significance (2). Last evaluated 2025-12-15.

Conditions:
Colorectal cancer, hereditary nonpolyposis, type 7. Identifiers: Orphanet 144, MedGen C1858380, MONDO:0013725, OMIM 614385.

Allele frequency attached by ClinVar (database versions not stated): gnomAD exomes below 0.00001.
gnomAD v4.1: 1 of 1,614,080 alleles (0.000062%); highest among the groups gnomAD compares: Non-Finnish European, 0.000085%; no homozygotes.

Submissions (2):

Labcorp Genetics (formerly Invitae), Labcorp
Classification: Uncertain significance for Colorectal cancer, hereditary nonpolyposis, type 7. Last evaluated: 2025-12-15. Review status: criteria provided, single submitter. Criteria: Invitae Variant Classification Sherloc (09022015). Collection method: clinical testing. Allele origin: germline.
Comment: This sequence change replaces proline, which is neutral and non-polar, with alanine, which is neutral and non-polar, at codon 820 of the MLH3 protein (p.Pro820Ala). This variant is not present in population databases (gnomAD no frequency). This variant has not been reported in the literature in individuals affected with MLH3-related conditions. ClinVar contains an entry for this variant (Variation ID: 1791571). An algorithm developed to predict the effect of missense changes on protein structure and function (PolyPhen-2) suggests that this variant is likely to be disruptive. In summary, the available evidence is currently insufficient to determine the role of this variant in disease. Therefore, it has been classified as a Variant of Uncertain Significance.

Ambry Genetics
Classification: Uncertain significance. Last evaluated: 2025-04-19. Review status: criteria provided, single submitter. Criteria: Ambry Variant Classification Scheme 2023. Collection method: clinical testing. Allele origin: germline.
Comment: The p.P820A variant (also known as c.2458C>G), located in coding exon 1 of the MLH3 gene, results from a C to G substitution at nucleotide position 2458. The proline at codon 820 is replaced by alanine, an amino acid with highly similar properties. This amino acid position is conserved. In addition, this alteration is predicted to be tolerated by in silico analysis. Since supporting evidence is limited at this time, the clinical significance of this alteration remains unclear.

NM_001040108.2(MLH3):c.2458C>G (p.Pro820Ala)

Gene: MLH3 (mutL homolog 3; minus strand). Cytogenetic location: 14q24.3.
Variant type: single nucleotide variant.
Coding change: c.2458C>G on transcript NM_001040108.2 (MANE Select); coding-DNA position 2458, C replaced by G.
Protein change: p.Pro820Ala; replaces proline 820 with alanine.
Molecular consequence: missense variant.
Genome position (GRCh38, 1-based): chr14:75,047,198, G>C on the plus strand (C>G on the coding strand, the complement: MLH3 is on the minus strand). VCF-style: chr14-75047198-G-C. GRCh37 (hg19) VCF-style: chr14-75513901-G-C.
Other names: c.2458C>G, p.Pro820Ala (NM_014381.3); short protein forms P820A.
Identifiers: ClinVar variation 1791571 (VCV001791571.4), dbSNP rs2139562177, ClinGen allele CA390440368.